The following is an entry in ClinVar:

ClinVar aggregate classification (germline): Likely pathogenic. Review status: criteria provided, multiple submitters, no conflicts (2 of 4 stars). 3 submissions from 3 submitters: Likely pathogenic (2). 1 of the submissions does not count toward it. Last evaluated 2025-06-05.

Conditions:
Glycine encephalopathy 1 (GCE1). Identifiers: MedGen CN376801, MONDO:0958179, OMIM 605899.
Glycine encephalopathy. Also called: Non-ketotic hyperglycinemia; Nonketotic hyperglycinemia. Identifiers: Orphanet 407, MedGen C0751748, MONDO:0011612, HP:0008288.

Allele frequency attached by ClinVar (database versions not stated): gnomAD exomes below 0.00001; TOPMed below 0.00001.
gnomAD v4.1: 2 of 1,613,100 alleles (0.00012%); highest among the groups gnomAD compares: East Asian, 0.0045%; no homozygotes.

Submissions (3):

Natera, Inc.
Classification: Likely pathogenic for Non-ketotic hyperglycinemia. Last evaluated: 2025-06-05. Review status: criteria provided, single submitter. Criteria: Natera Variant Classification Schema (03/2026). Collection method: clinical testing. Allele origin: germline.
Comment: The c.2666-1G>A variant in GLDC is a canonical splice acceptor site variant predicted to affect pre-mRNA splicing, which may result in an abnormal transcript and altered protein product. This variant is expected to result in nonsense mediated decay, truncation, or a dysfunctional protein product. This variant is rare in the general population with a frequency below the threshold expected for the associated phenotype(s). Given the available evidence, this variant is classified as Likely Pathogenic.

Labcorp Genetics (formerly Invitae), Labcorp
Classification: Likely pathogenic for Glycine encephalopathy. Last evaluated: 2022-02-19. Review status: criteria provided, single submitter. Criteria: Invitae Variant Classification Sherloc (09022015). Collection method: clinical testing. Allele origin: germline.
Comment: This variant has not been reported in the literature in individuals affected with GLDC-related conditions. This variant is present in population databases (no rsID available, gnomAD 0.006%). This sequence change affects an acceptor splice site in intron 22 of the GLDC gene. It is expected to disrupt RNA splicing. Variants that disrupt the donor or acceptor splice site typically lead to a loss of protein function (PMID: 16199547), and loss-of-function variants in GLDC are known to be pathogenic (PMID: 16601880). ClinVar contains an entry for this variant (Variation ID: 555743). In summary, the currently available evidence indicates that the variant is pathogenic, but additional data are needed to prove that conclusively. Therefore, this variant has been classified as Likely Pathogenic. Algorithms developed to predict the effect of sequence changes on RNA splicing suggest that this variant may disrupt the consensus splice site.

Counsyl
Classification: Likely pathogenic for Glycine encephalopathy 1. Last evaluated: 2017-12-20. Review status: no assertion criteria provided. Collection method: clinical testing. Allele origin: unknown. Not counted in ClinVar's aggregate classification.

Literature cited by the submitters: PubMed 16199547 (cited by Labcorp Genetics (formerly Invitae), Labcorp); PubMed 16601880 (cited by Labcorp Genetics (formerly Invitae), Labcorp).

NM_000170.3(GLDC):c.2666-1G>A

Gene: GLDC (glycine decarboxylase; minus strand). Cytogenetic location: 9p24.1.
Variant type: single nucleotide variant.
Coding change: c.2666-1G>A on transcript NM_000170.3 (MANE Select); the canonical splice acceptor site of the intron before coding-DNA position 2666, G replaced by A.
Molecular consequence: splice acceptor variant.
Genome position (GRCh38, 1-based): chr9:6,536,237, C>T on the plus strand (G>A on the coding strand, the complement: GLDC is on the minus strand). VCF-style: chr9-6536237-C-T. GRCh37 (hg19) VCF-style: chr9-6536237-C-T.
Identifiers: ClinVar variation 555743 (VCV000555743.15), dbSNP rs1429861000, ClinGen allele CA372883043.